The following is an entry in ClinVar:

ClinVar aggregate classification (germline): Likely benign (1 of 4 stars; one submission).

Conditions:
FLT4-related disorder. Also called: FLT4-related condition.

gnomAD v4.1: 67 of 1,613,004 alleles (0.0042%); highest among the groups gnomAD compares: African/African-American, 0.039%; no homozygotes.

Submission:

PreventionGenetics, part of Exact Sciences
Classification: Likely benign for FLT4-related condition. Last evaluated: 2025-11-19. Review status: criteria provided, single submitter. Criteria: ACMG Guidelines, 2015. Collection method: clinical testing. Allele origin: germline.
Comment: This variant is classified as likely benign based on ACMG/AMP sequence variant interpretation guidelines (Richards et al. 2015 PMID: 25741868, with internal and published modifications).

NM_182925.5(FLT4):c.361G>A (p.Glu121Lys)

Gene: FLT4 (fms related receptor tyrosine kinase 4; minus strand). Cytogenetic location: 5q35.3.
Variant type: single nucleotide variant.
Coding change: c.361G>A on transcript NM_182925.5 (MANE Select); coding-DNA position 361, G replaced by A.
Protein change: p.Glu121Lys; replaces glutamic acid 121 with lysine.
Molecular consequence: missense variant.
Genome position (GRCh38, 1-based): chr5:180,630,594, C>T on the plus strand (G>A on the coding strand, the complement: FLT4 is on the minus strand). VCF-style: chr5-180630594-C-T. GRCh37 (hg19) VCF-style: chr5-180057594-C-T.
Other names: c.361G>A, p.Glu121Lys (NM_001354989.2, NM_002020.5); short protein forms E121K.
Identifiers: ClinVar variation 4981151 (VCV004981151.1).
Genomic context (GRCh38, chr5:180,630,594, plus strand): 5'-TGGCCCGCCTCCAAGTCTCACCTCTCACGAACACGTAGGAGCTGGCGGCCGTGGTGCCCT[C>T]GATGCGTGCCTTGATGTACTTGTAGTAGCAGACGTAGCTGCCTGTGTCGTTGGCATGTAC-3'
Protein context (NP_891555.2, residues 111-131): CYYKYIKARI[Glu121Lys]GTTAASSYVF